The following is an entry in ClinVar:

ClinVar aggregate classification (germline): Pathogenic (1 of 4 stars; one submission).

Conditions:
Retinoblastoma (RB1). Also called: RETINOBLASTOMA, SOMATIC. Identifiers: Orphanet 790, MedGen C0035335, MeSH D012175, MONDO:0008380, OMIM 180200, HP:0009919. Disease mechanism: loss of function. Inheritance: Both sporadic and heritable forms are tested..

Submission:

Labcorp Genetics (formerly Invitae), Labcorp
Classification: Pathogenic for Retinoblastoma. Last evaluated: 2018-09-06. Review status: criteria provided, single submitter. Criteria: Invitae Variant Classification Sherloc (09022015). Collection method: clinical testing. Allele origin: germline.
Comment: For these reasons, this variant has been classified as Pathogenic. Loss-of-function variants in RB1 are known to be pathogenic (PMID: 17096365). This variant has not been reported in the literature in individuals with RB1-related disease. This variant is an out-of-frame deletion of the genomic region encompassing exons 7-11 of the RB1 gene. This is expected to create a premature translational stop signal and result in an absent or disrupted protein product.

Literature cited by the submitters: PubMed 17096365.

NC_000013.11:g.(?_48360007)_(48368614_?)del

Gene: RB1 (RB transcriptional corepressor 1; plus strand). Cytogenetic location: 13q14.2.
Variant type: Deletion.
Identifiers: ClinVar variation 660144 (VCV000660144.5).